The following is an entry in ClinVar:

ClinVar aggregate classification (germline): Uncertain significance. Review status: criteria provided, single submitter (1 of 4 stars). 3 submissions from 3 submitters: Uncertain significance (1). 2 of the submissions do not count toward it. Last evaluated 2022-02-11.

Conditions:
Asphyxiating thoracic dystrophy 3. Also called: Short rib polydactyly syndrome 2B; POLYDACTYLY WITH NEONATAL CHONDRODYSTROPHY, TYPE I; SHORT-RIB THORACIC DYSPLASIA 3/6 WITH POLYDACTYLY, DIGENIC; Saldino-Noonan Syndrome; SHORT-RIB THORACIC DYSPLASIA 3 WITH OR WITHOUT POLYDACTYLY. Identifiers: Orphanet 474, Orphanet 93269, Orphanet 93270, Orphanet 93271, MedGen C0036069, MONDO:0013127, OMIM 613091.

Allele frequency attached by ClinVar (database versions not stated): gnomAD exomes below 0.00001.
gnomAD v4.1: 2 of 1,613,106 alleles (0.00012%); highest among the groups gnomAD compares: Non-Finnish European, 0.00017%; no homozygotes.

Submissions (3):

ARUP Laboratories, Molecular Genetics and Genomics, ARUP Laboratories
Classification: Uncertain significance for Asphyxiating thoracic dystrophy 3. Last evaluated: 2022-02-11. Review status: criteria provided, single submitter. Criteria: ARUP Molecular Germline Variant Investigation Process 2021. Collection method: clinical testing. Allele origin: germline.
Comment: The DYNC2H1 c.6271A>G; p.Asn2091Asp variant (rs1555057881) is reported in the literature in a patient with short rib-polydactyly syndrome type 3 (SRPS type III) who also carried an additional pathogenic DYNC2H1 variant (Zhang 2018). The p.Asn2091Asp variant is also reported in ClinVar (Variation ID: 446574). It is absent from the Genome Aggregation Database, indicating it is not a common polymorphism. The asparagine at codon 2091 is highly conserved, and computational analyses predict that this variant is deleterious (REVEL: 0.773). However, due to limited information, the clinical significance of this variant is uncertain at this time. References: Zhang W et al. Expanding the genetic architecture and phenotypic spectrum in the skeletal ciliopathies. Hum Mutat. 2018 Jan;39(1):152-166. PMID: 29068549.

Dan Cohn Lab, University Of California Los Angeles
Classification: Pathogenic for Asphyxiating thoracic dystrophy 3. Last evaluated: 2017-06-01. Review status: no assertion criteria provided. Collection method: research. Allele origin: unknown. Affected: yes. Not counted in ClinVar's aggregate classification.

University of Washington Center for Mendelian Genomics, University of Washington
Classification: Likely pathogenic for Asphyxiating thoracic dystrophy 3. Review status: no assertion criteria provided. Collection method: research. Allele origin: inherited. Affected: yes. Not counted in ClinVar's aggregate classification.

Literature cited by the submitters: PubMed 29068549 (cited by Dan Cohn Lab, University Of California Los Angeles and University of Washington Center for Mendelian Genomics, University of Washington).

NM_001377.3(DYNC2H1):c.6271A>G (p.Asn2091Asp)

Gene: DYNC2H1 (dynein cytoplasmic 2 heavy chain 1; plus strand). Cytogenetic location: 11q22.3.
Variant type: single nucleotide variant.
Coding change: c.6271A>G on transcript NM_001377.3 (MANE Select); coding-DNA position 6271, A replaced by G.
Protein change: p.Asn2091Asp; replaces asparagine 2091 with aspartic acid.
Molecular consequence: missense variant.
Genome position (GRCh38, 1-based): chr11:103,179,157, A>G. VCF-style: chr11-103179157-A-G. GRCh37 (hg19) VCF-style: chr11-103049886-A-G.
Other names: c.6271A>G, p.Asn2091Asp (NM_001080463.2); short protein forms N2091D.
Identifiers: ClinVar variation 446574 (VCV000446574.9), dbSNP rs1555057881, ClinGen allele CA382247346.